The following is an entry in ClinVar:

NM_001267550.2(TTN):c.81937G>T (p.Gly27313Ter)

Genes: TTN-AS1 (TTN antisense RNA 1; plus strand), TTN (titin; minus strand). Cytogenetic location: 2q31.2.
Variant type: single nucleotide variant.
Coding change: c.81937G>T on transcript NM_001267550.2 (MANE Select); coding-DNA position 81937, G replaced by T.
Protein change: p.Gly27313Ter; replaces glycine 27313 with a stop codon.
Molecular consequence: nonsense.
Genome position (GRCh38, 1-based): chr2:178,564,195, C>A on the plus strand (G>T on the coding strand, the complement: TTN is on the minus strand). VCF-style: chr2-178564195-C-A. GRCh37 (hg19) VCF-style: chr2-179428922-C-A.
Other names: c.77014G>T, p.Gly25672Ter (NM_001256850.1); c.54742G>T, p.Gly18248Ter (NM_003319.4); c.74233G>T, p.Gly24745Ter (NM_133378.4); c.55117G>T, p.Gly18373Ter (NM_133432.3); c.55318G>T, p.Gly18440Ter (NM_133437.4); short protein forms G27313*, G18248*, G18440*, G24745*, G18373*, G25672*.
Identifiers: ClinVar variation 4784964 (VCV004784964.1).
Genomic context (GRCh38, chr2:178,564,195, plus strand): 5'-TTGTTTTCTGAATAGTAGATTTAATTTCCATTCTAGCAGCTGTTTCTTCAAGTTCTTTTC[C>A]ATCTTTTGACCAAACAACATCAGGTATAGGTTTGCCACGGATGTCGGCTTCAAGAACAAA-3'

ClinVar aggregate classification (germline): Likely pathogenic (1 of 4 stars; one submission).

Conditions:
Autosomal recessive limb-girdle muscular dystrophy type 2J (LGMDR10). Also called: Limb-girdle muscular dystrophy, type 2J; MUSCULAR DYSTROPHY, LIMB-GIRDLE, AUTOSOMAL RECESSIVE 10. Identifiers: Orphanet 140922, MedGen C1837342, MONDO:0012127, OMIM 608807.
Dilated cardiomyopathy 1G (CMD1G). Identifiers: Orphanet 154, MedGen C1858763, MONDO:0011400, OMIM 604145.

Submission:

Labcorp Genetics (formerly Invitae), Labcorp
Classification: Likely pathogenic for Dilated cardiomyopathy 1G; Autosomal recessive limb-girdle muscular dystrophy type 2J. Last evaluated: 2025-05-11. Review status: criteria provided, single submitter. Criteria: Invitae Variant Classification Sherloc (09022015). Collection method: clinical testing. Allele origin: germline.
Comment: This sequence change creates a premature translational stop signal (p.Gly27313*) in the TTN gene. While this is not anticipated to result in nonsense mediated decay, it is expected to create a truncated TTN protein. This variant is not present in population databases (gnomAD no frequency). This variant has not been reported in the literature in individuals affected with TTN-related conditions. This variant is located in the A band of TTN (PMID: 25589632). Truncating variants in this region are significantly overrepresented in patients affected with dilated cardiomyopathy (PMID: 25589632). Truncating variants in this region have also been reported in individuals affected with autosomal recessive centronuclear myopathy (PMID: 23975875). In summary, the currently available evidence indicates that the variant is pathogenic, but additional data are needed to prove that conclusively. Therefore, this variant has been classified as Likely Pathogenic.

Literature cited by the submitters: PubMed 25589632; PubMed 23975875.